The following is an entry in ClinVar:

NM_001070.5(TUBG1):c.844-19T>C

Gene: TUBG1 (tubulin gamma 1; plus strand). Cytogenetic location: 17q21.2.
Variant type: single nucleotide variant.
Coding change: c.844-19T>C on transcript NM_001070.5 (MANE Select); 19 bases into the intron before coding-DNA position 844, T replaced by C.
Molecular consequence: intron variant.
Genome position (GRCh38, 1-based): chr17:42,614,241, T>C. VCF-style: chr17-42614241-T-C. GRCh37 (hg19) VCF-style: chr17-40766259-T-C.
Identifiers: ClinVar variation 388836 (VCV000388836.2), dbSNP rs201245256, ClinGen allele CA8580004.

ClinVar aggregate classification (germline): Likely benign. Review status: criteria provided, multiple submitters, no conflicts (2 of 4 stars). 2 submissions from 2 submitters: Likely benign (2). Last evaluated 2024-03-22.

Allele frequency attached by ClinVar (database versions not stated): gnomAD 0.00013 and 0.00016; TOPMed 0.00017; gnomAD exomes 0.00020 and 0.00030; ESP Exome Variant Server 0.00023; ExAC 0.00025.

Submissions (2):

Blueprint Genetics
Classification: Likely benign. Last evaluated: 2024-03-22. Review status: criteria provided, single submitter. Criteria: ACMG Guidelines, 2015. Collection method: clinical testing. Allele origin: germline.

GeneDx
Classification: Likely benign. Last evaluated: 2016-08-24. Review status: criteria provided, single submitter. Criteria: GeneDx Variant Classification (06012015). Collection method: clinical testing. Allele origin: germline. Affected: yes.
Comment: This variant is considered likely benign or benign based on one or more of the following criteria: it is a conservative change, it occurs at a poorly conserved position in the protein, it is predicted to be benign by multiple in silico algorithms, and/or has population frequency not consistent with disease.